The following is an entry in ClinVar:

ClinVar aggregate classification (germline): Uncertain significance (1 of 4 stars; one submission).

Allele frequency attached by ClinVar (database versions not stated): TOPMed below 0.00001.
gnomAD v4.1: 2 of 1,585,420 alleles (0.00013%); highest among the groups gnomAD compares: Non-Finnish European, 0.000085%; no homozygotes.

Submission:

CeGaT Center for Human Genetics Tuebingen
Classification: Uncertain significance. Last evaluated: 2022-10-01. Review status: criteria provided, single submitter. Criteria: CeGaT Center For Human Genetics Tuebingen Variant Classification Criteria Version 2. Collection method: clinical testing. Allele origin: germline. Affected: yes. Observed: 1 variant allele.
Comment: SMO: PM2, BP4

NM_005631.5(SMO):c.1942C>A (p.Pro648Thr)

Gene: SMO (smoothened, frizzled class receptor; plus strand). Cytogenetic location: 7q32.1.
Variant type: single nucleotide variant.
Coding change: c.1942C>A on transcript NM_005631.5 (MANE Select); coding-DNA position 1942, C replaced by A.
Protein change: p.Pro648Thr; replaces proline 648 with threonine.
Molecular consequence: missense variant.
Genome position (GRCh38, 1-based): chr7:129,212,029, C>A. VCF-style: chr7-129212029-C-A. GRCh37 (hg19) VCF-style: chr7-128851870-C-A.
Other names: short protein forms P648T.
Identifiers: ClinVar variation 2657994 (VCV002657994.24), dbSNP rs1442264163, ClinGen allele CA369250219.